The following is an entry in ClinVar:

ClinVar aggregate classification (germline): Pathogenic. Review status: criteria provided, multiple submitters, no conflicts (2 of 4 stars). 2 submissions from 2 submitters: Pathogenic (2). Last evaluated 2024-08-29.

Conditions:
Hereditary nonpolyposis colorectal neoplasms. Identifiers: MedGen C0009405, MeSH D003123.
Hereditary cancer-predisposing syndrome. Also called: Tumor predisposition; Neoplastic Syndromes, Hereditary; Hereditary Cancer Syndrome; Hereditary neoplastic syndrome. Identifiers: Orphanet 140162, MedGen C0027672, MeSH D009386, MONDO:0015356.

Submissions (2):

Ambry Genetics
Classification: Pathogenic for Hereditary cancer-predisposing syndrome. Last evaluated: 2024-08-29. Review status: criteria provided, single submitter. Criteria: Ambry Variant Classification Scheme 2023. Collection method: clinical testing. Allele origin: germline.
Comment: The c.3002delA pathogenic mutation, located in coding exon 4 of the MSH6 gene, results from a deletion of one nucleotide at nucleotide position 3002, causing a translational frameshift with a predicted alternate stop codon (p.K1001Rfs*19). This variant is considered to be rare based on population cohorts in the Genome Aggregation Database (gnomAD). This alteration is expected to result in loss of function by premature protein truncation or nonsense-mediated mRNA decay. As such, this alteration is interpreted as a disease-causing mutation.

Labcorp Genetics (formerly Invitae), Labcorp
Classification: Pathogenic for Hereditary nonpolyposis colorectal neoplasms. Last evaluated: 2022-01-14. Review status: criteria provided, single submitter. Criteria: Invitae Variant Classification Sherloc (09022015). Collection method: clinical testing. Allele origin: germline.
Comment: For these reasons, this variant has been classified as Pathogenic. This variant has not been reported in the literature in individuals affected with MSH6-related conditions. This variant is not present in population databases (gnomAD no frequency). This sequence change creates a premature translational stop signal (p.Lys1001Argfs*19) in the MSH6 gene. It is expected to result in an absent or disrupted protein product. Loss-of-function variants in MSH6 are known to be pathogenic (PMID: 18269114, 24362816).

Literature cited by the submitters: PubMed 18269114 (cited by Labcorp Genetics (formerly Invitae), Labcorp); PubMed 24362816 (cited by Labcorp Genetics (formerly Invitae), Labcorp).

NM_000179.3(MSH6):c.3002del (p.Lys1001fs)

Gene: MSH6 (mutS homolog 6; plus strand). Cytogenetic location: 2p16.3.
Variant type: Deletion.
Coding change: c.3002del on transcript NM_000179.3 (MANE Select); coding-DNA position 3002, one base deleted (A; older notation c.3002delA).
Protein change: p.Lys1001fs; shifts the reading frame from lysine 1001.
Molecular consequence: frameshift variant.
Genome position (GRCh38, 1-based): chr2:47,800,985, A deleted; the last of 2 consecutive A bases (chr2:47,800,984-47,800,985); deleting either gives the same sequence. VCF-style (leftmost placement, unchanged base first): chr2-47800983-GA-G. GRCh37 (hg19) VCF-style: chr2-48028122-GA-G.
Other names: c.3002delA, p.Lys1001Argfs (NM_001406808.1, NM_001406809.1, NM_001406796.1 and 2 more transcripts); c.2096delA, p.Lys699Argfs (NM_001406811.1, NM_001406812.1, NM_001406814.1 and 4 more transcripts); c.3008delA, p.Lys1003Argfs (NM_001406813.1); c.2705delA, p.Lys902Argfs (NM_001406818.1, NM_001406819.1, NM_001406820.1 and 10 more transcripts); c.2834delA, p.Lys945Argfs (NM_001406826.1); c.947delA, p.Lys316Argfs (NM_001407362.1); c.2612del, p.Lys871fs (NM_001281492.2); c.2096del, p.Lys699fs (NM_001281493.2, NM_001281494.2); and 3 more; short protein forms K1001fs, K871fs, K699fs.
Identifiers: ClinVar variation 2082960 (VCV002082960.5), dbSNP rs2530706972, ClinGen allele CA2580068119.